The following is an entry in ClinVar:

NM_006421.5(ARFGEF1):c.4240A>C (p.Thr1414Pro)

Gene: ARFGEF1 (ARF guanine nucleotide exchange factor 1; minus strand). Cytogenetic location: 8q13.2.
Variant type: single nucleotide variant.
Coding change: c.4240A>C on transcript NM_006421.5 (MANE Select); coding-DNA position 4240, A replaced by C.
Protein change: p.Thr1414Pro; replaces threonine 1414 with proline.
Molecular consequence: missense variant. On other transcripts: non-coding transcript variant (1).
Genome position (GRCh38, 1-based): chr8:67,219,529, T>G on the plus strand (A>C on the coding strand, the complement: ARFGEF1 is on the minus strand). VCF-style: chr8-67219529-T-G. GRCh37 (hg19) VCF-style: chr8-68131764-T-G.
Other names: c.4240A>C, p.Thr1414Pro (NM_001413184.1, NM_001413185.1, NM_001413186.1 and 5 more transcripts); c.3640A>C, p.Thr1214Pro (NM_001413188.1, NM_001413193.1, NM_001413197.1); c.4234A>C, p.Thr1412Pro (NM_001413190.1); c.2815A>C, p.Thr939Pro (NM_001413196.1); short protein forms T1214P, T1412P, T1414P, T939P.
Identifiers: ClinVar variation 3343767 (VCV003343767.2).
Genomic context (GRCh38, chr8:67,219,529, plus strand): 5'-TTCTGAAAACAATTCTAAATAAATCCTGCCACCAGTGTTTCTCATAAGTGTGGCCATATG[T>G]TTTCATTATTTCAAACATTACTGTTAAACCCCTAAAATGACAAAACACAATTAGAAAGCT-3'
Protein context (NP_006412.2, residues 1404-1424): GLTVMFEIMK[Thr1414Pro]YGHTYEKHWW

ClinVar aggregate classification (germline): Uncertain significance (1 of 4 stars; one submission).

Submission:

GeneDx
Classification: Uncertain significance. Last evaluated: 2026-02-04. Review status: criteria provided, single submitter. Criteria: GeneDx Variant Classification Process June 2021. Collection method: clinical testing. Allele origin: germline.
Comment: Not observed at significant frequency in large population cohorts (gnomAD); In silico analysis supports that this missense variant has a deleterious effect on protein structure/function; Has not been previously published as pathogenic or benign to our knowledge